The following is an entry in ClinVar:

ClinVar aggregate classification (germline): Uncertain significance (1 of 4 stars; one submission).

Conditions:
ADCY10-related disorder. Also called: ADCY10-related condition.

Submission:

PreventionGenetics, part of Exact Sciences
Classification: Uncertain significance for ADCY10-related condition. Last evaluated: 2025-01-02. Review status: criteria provided, single submitter. Criteria: ACMG Guidelines, 2015. Collection method: clinical testing. Allele origin: germline.
Comment: The ADCY10 c.2245G>A variant is predicted to result in the amino acid substitution p.Val749Ile. To our knowledge, this variant has not been reported in the literature or in a large population database (gnomAD), indicating this variant is rare. At this time, the clinical significance of this variant is uncertain due to the absence of conclusive functional and genetic evidence.

NM_018417.6(ADCY10):c.2245G>A (p.Val749Ile)

Gene: ADCY10 (adenylate cyclase 10; minus strand). Cytogenetic location: 1q24.2.
Variant type: single nucleotide variant.
Coding change: c.2245G>A on transcript NM_018417.6 (MANE Select); coding-DNA position 2245, G replaced by A.
Protein change: p.Val749Ile; replaces valine 749 with isoleucine.
Molecular consequence: missense variant.
Genome position (GRCh38, 1-based): chr1:167,854,416, C>T on the plus strand (G>A on the coding strand, the complement: ADCY10 is on the minus strand). VCF-style: chr1-167854416-C-T. GRCh37 (hg19) VCF-style: chr1-167823654-C-T.
Other names: c.1786G>A, p.Val596Ile (NM_001167749.3); c.1969G>A, p.Val657Ile (NM_001297772.2); short protein forms V596I, V657I, V749I.
Identifiers: ClinVar variation 5001827 (VCV005001827.1).